The following is an entry in ClinVar:

ClinVar aggregate classification (germline): Uncertain significance (1 of 4 stars; one submission).

Allele frequency attached by ClinVar (database versions not stated): gnomAD 0.00001; TOPMed 0.00001; gnomAD exomes 0.00002; ExAC 0.00006; ESP Exome Variant Server 0.00008.
gnomAD v4.1: 33 of 1,612,876 alleles (0.002%); highest among the groups gnomAD compares: Middle Eastern, 0.016%; no homozygotes.

Submissions (2):

Labcorp Genetics (formerly Invitae), Labcorp
Classification: Uncertain significance. Last evaluated: 2022-01-27. Review status: criteria provided, single submitter. Criteria: Invitae Variant Classification Sherloc (09022015). Collection method: clinical testing. Allele origin: germline.
Comment: This sequence change replaces glycine, which is neutral and non-polar, with serine, which is neutral and polar, at codon 296 of the PEPD protein (p.Gly296Ser). This variant is present in population databases (rs370970279, gnomAD 0.006%). This variant has not been reported in the literature in individuals affected with PEPD-related conditions. Algorithms developed to predict the effect of missense changes on protein structure and function (SIFT, PolyPhen-2, Align-GVGD) all suggest that this variant is likely to be disruptive. Algorithms developed to predict the effect of sequence changes on RNA splicing suggest that this variant may create or strengthen a splice site. In summary, the available evidence is currently insufficient to determine the role of this variant in disease. Therefore, it has been classified as a Variant of Uncertain Significance.

Dr. Peter K. Rogan Lab, Western University
No classification provided (evidence only). Condition: Gastric cancer. Review status: no classification provided. Collection method: in vitro. Allele origin: not applicable. Functional consequence: retained intron. Not counted in ClinVar's aggregate classification.

NM_000285.4(PEPD):c.886G>A (p.Gly296Ser)

Gene: PEPD (peptidase D; minus strand). Cytogenetic location: 19q13.11.
Variant type: single nucleotide variant.
Coding change: c.886G>A on transcript NM_000285.4 (MANE Select); coding-DNA position 886, G replaced by A.
Protein change: p.Gly296Ser; replaces glycine 296 with serine.
Molecular consequence: missense variant.
Genome position (GRCh38, 1-based): chr19:33,401,802, C>T on the plus strand (G>A on the coding strand, the complement: PEPD is on the minus strand). VCF-style: chr19-33401802-C-T. GRCh37 (hg19) VCF-style: chr19-33892708-C-T.
Other names: c.763G>A, p.Gly255Ser (NM_001166056.2); c.694G>A, p.Gly232Ser (NM_001166057.2); short protein forms G232S, G255S, G296S.
Identifiers: ClinVar variation 2151566 (VCV002151566.2), dbSNP rs370970279, ClinGen allele CA9364085.